The following is an entry in ClinVar:

NM_001009944.3(PKD1):c.310T>C (p.Ser104Pro)

Gene: PKD1 (polycystin 1, transient receptor potential channel interacting; minus strand). Cytogenetic location: 16p13.3.
Variant type: single nucleotide variant.
Coding change: c.310T>C on transcript NM_001009944.3 (MANE Select); coding-DNA position 310, T replaced by C.
Protein change: p.Ser104Pro; replaces serine 104 with proline.
Molecular consequence: missense variant.
Genome position (GRCh38, 1-based): chr16:2,119,163, A>G on the plus strand (T>C on the coding strand, the complement: PKD1 is on the minus strand). VCF-style: chr16-2119163-A-G. GRCh37 (hg19) VCF-style: chr16-2169164-A-G.
Other names: c.310T>C, p.Ser104Pro (NM_000296.4); short protein forms S104P.
Identifiers: ClinVar variation 4531592 (VCV004531592.1).
Genomic context (GRCh38, chr16:2,119,163, plus strand): 5'-CCACAACTTACATTTCACTTAAATTAAATAAATTAGCAAATATTCCTTCTTCTAACGTAG[A>G]AATCTTGTTGTTGCTTATATCCCTGGAAGAGACGGGGGATTCGGCAAAGCTGATGGAAGC-3'
Protein context (NP_001009944.3, residues 94-114): AELDISNNKI[Ser104Pro]TLEEGIFANL

ClinVar aggregate classification (germline): Uncertain significance (1 of 4 stars; one submission).

Conditions:
Polycystic kidney disease, adult type (PKD1). Also called: Polycystic Kidney, Autosomal Dominant; POLYCYSTIC KIDNEY DISEASE, ADULT, TYPE I; Polycystic Kidney Disease 1, Autosomal Dominant; Polycystic kidney disease 1; Polycystic kidney disease 1, severe; POLYCYSTIC KIDNEY DISEASE 1 WITH OR WITHOUT POLYCYSTIC LIVER DISEASE. Identifiers: MedGen C3149841, MONDO:0008263, OMIM 173900.

Submission:

Victorian Clinical Genetics Services, Murdoch Childrens Research Institute
Classification: Uncertain significance for Polycystic kidney disease, adult type. Last evaluated: 2025-07-27. Review status: criteria provided, single submitter. Criteria: ACMG Guidelines, 2015. Collection method: clinical testing. Allele origin: germline. Affected: yes.
Comment: This variant is classified as VUS-3B. Evidence in support of pathogenic classification: Variant is present in gnomAD <0.001 for a dominant condition (v4: 11 heterozygote(s), 0 homozygote(s)). Additional information: Variant is predicted to result in a missense amino acid change from Ser to Pro; This variant is heterozygous; This gene is associated with autosomal dominant disease. Polycystic kidney disease 1 (MIM#173900) is predominantly caused by monoallelic variants, with rare reports of biallelic variants causing disease (OMIM); Alternative amino acid change(s) at the same position are present in gnomAD (Highest allele count: v4: 1 heterozygote(s), 0 homozygote(s)); This variant has no previous evidence of pathogenicity; No published evidence of segregation with disease has been identified for this variant; No published functional evidence has been identified for this variant; No comparable missense variants have previous evidence for pathogenicity; Variant is located in the annotated leucine rich repeat domain (DECIPHER); Missense variant with inconclusive in silico prediction and uninformative conservation; Loss of function is a known mechanism of disease in this gene and is associated with polycystic kidney disease 1 (MIM#173900); Inheritance information for this variant is not currently available in this individual.